The following is an entry in ClinVar:

ClinVar aggregate classification (germline): Uncertain significance. Review status: criteria provided, single submitter (1 of 4 stars). 2 submissions from 2 submitters: Uncertain significance (1). 1 of the submissions does not count toward it. Last evaluated 2023-12-25.

Conditions:
Glucose-6-phosphate transport defect (GSD1B). Also called: Glycogen Storage Disease Type Ib; GSD Ib. Identifiers: Orphanet 364, Orphanet 79259, MedGen C0268146, MONDO:0009288, OMIM 232220.
SLC37A4-related disorder. Also called: SLC37A4-related condition.

Allele frequency attached by ClinVar (database versions not stated): TOPMed 0.00001.

Submissions (2):

Labcorp Genetics (formerly Invitae), Labcorp
Classification: Uncertain significance for Glucose-6-phosphate transport defect. Last evaluated: 2023-12-25. Review status: criteria provided, single submitter. Criteria: Invitae Variant Classification Sherloc (09022015). Collection method: clinical testing. Allele origin: germline.
Comment: This sequence change replaces isoleucine, which is neutral and non-polar, with asparagine, which is neutral and polar, at codon 13 of the SLC37A4 protein (p.Ile13Asn). This variant is not present in population databases (gnomAD no frequency). This variant has not been reported in the literature in individuals affected with SLC37A4-related conditions. Advanced modeling of protein sequence and biophysical properties (such as structural, functional, and spatial information, amino acid conservation, physicochemical variation, residue mobility, and thermodynamic stability) performed at Invitae indicates that this missense variant is not expected to disrupt SLC37A4 protein function with a negative predictive value of 80%. In summary, the available evidence is currently insufficient to determine the role of this variant in disease. Therefore, it has been classified as a Variant of Uncertain Significance.

PreventionGenetics, part of Exact Sciences
Classification: Uncertain significance for SLC37A4-related condition. Last evaluated: 2024-01-16. Review status: no assertion criteria provided. Collection method: clinical testing. Allele origin: germline. Not counted in ClinVar's aggregate classification.
Comment: The SLC37A4 c.38T>A variant is predicted to result in the amino acid substitution p.Ile13Asn. To our knowledge, this variant has not been reported in the literature or in a large population database, indicating this variant is rare. At this time, the clinical significance of this variant is uncertain due to the absence of conclusive functional and genetic evidence.

NM_001164277.2(SLC37A4):c.38T>A (p.Ile13Asn)

Gene: SLC37A4 (solute carrier family 37 member 4; minus strand). Cytogenetic location: 11q23.3.
Variant type: single nucleotide variant.
Coding change: c.38T>A on transcript NM_001164277.2 (MANE Select); coding-DNA position 38, T replaced by A.
Protein change: p.Ile13Asn; replaces isoleucine 13 with asparagine.
Molecular consequence: missense variant. On other transcripts: intron variant (1).
Genome position (GRCh38, 1-based): chr11:119,029,332, A>T on the plus strand (T>A on the coding strand, the complement: SLC37A4 is on the minus strand). VCF-style: chr11-119029332-A-T. GRCh37 (hg19) VCF-style: chr11-118900042-A-T.
Other names: c.38T>A, p.Ile13Asn (NM_001164278.2, NM_001164280.2, NM_001467.6); c.-172+60T>A (NM_001164279.2); short protein forms I13N.
Identifiers: ClinVar variation 2694523 (VCV002694523.5), dbSNP rs1943677703, ClinGen allele CA382908962.
Genomic context (GRCh38, chr11:119,029,332, plus strand): 5'-AAGGAGAAGGTCTTGCGATTGAAGTAATACAGGCTGTAGCCCCCAAACATGGCTGAGAAG[A>T]TCACAGTGCGATAATAGCCATAGCCCTGGGCTGCCATGGTAGAAAAGAGCAGGCCCTACC-3'
Protein context (NP_001157749.1, residues 3-23): AQGYGYYRTV[Ile13Asn]FSAMFGGYSL